The following is an entry in ClinVar:

NM_000059.4(BRCA2):c.6060_6063del (p.Glu2020fs)

Gene: BRCA2 (BRCA2 DNA repair associated; plus strand). Cytogenetic location: 13q13.1.
Variant type: Deletion.
Coding change: c.6060_6063del on transcript NM_000059.4 (MANE Select); coding-DNA positions 6060 to 6063, 4 bases deleted (ACAT; older notation c.6060_6063delACAT).
Protein change: p.Glu2020fs; shifts the reading frame from glutamic acid 2020.
Molecular consequence: frameshift variant.
Genome position (GRCh38, 1-based): chr13:32,340,415-32,340,418, ACAT deleted. VCF-style (leftmost placement, unchanged base first): chr13-32340414-AACAT-A. GRCh37 (hg19) VCF-style: chr13-32914551-AACAT-A.
Other names: c.6060_6063delACAT (NM_000059.3); short protein forms E2020fs.
Identifiers: ClinVar variation 51997 (VCV000051997.3), dbSNP rs397507825, ClinGen allele CA023584.

ClinVar aggregate classification (germline): Pathogenic. Review status: reviewed by expert panel (3 of 4 stars). 2 submissions from 2 submitters: Pathogenic (1). 1 of the submissions does not count toward it. Last evaluated 2017-12-15.

Conditions:
Familial cancer of breast. Also called: BREAST CANCER, FAMILIAL; Hereditary breast cancer; hereditary breast carcinoma. Identifiers: Orphanet 227535, MedGen C0346153, MONDO:0016419, OMIM 114480. Disease mechanism: loss of function.
Breast-ovarian cancer, familial, susceptibility to, 2 (BROVCA2). Also called: BRCA2 Hereditary Breast and Ovarian Cancer. Identifiers: Orphanet 145, MedGen C2675520, MONDO:0012933, OMIM 612555. Disease mechanism: loss of function.

Submissions (2):

Evidence-based Network for the Interpretation of Germline Mutant Alleles (ENIGMA)
Classification: Pathogenic for Breast-ovarian cancer, familial, susceptibility to, 2. Last evaluated: 2017-12-15. Review status: reviewed by expert panel. Criteria: ENIGMA BRCA1/2 Classification Criteria (2017-06-29). Collection method: curation. Allele origin: germline. Study: ENIGMA.
Comment: Variant allele predicted to encode a truncated non-functional protein.

ClinVar Staff, National Center for Biotechnology Information (NCBI)
No classification provided. Condition: Familial cancer of breast. Review status: no classification provided. Collection method: literature only. Allele origin: germline. Affected: yes. Not counted in ClinVar's aggregate classification.

Literature cited by the submitters: PubMed 15951958 (cited by ClinVar Staff, National Center for Biotechnology Information (NCBI)).